The following is an entry in ClinVar:

NM_004958.4(MTOR):c.5122G>A (p.Ala1708Thr)

Gene: MTOR (mechanistic target of rapamycin kinase; minus strand). Cytogenetic location: 1p36.22.
Variant type: single nucleotide variant.
Coding change: c.5122G>A on transcript NM_004958.4 (MANE Select); coding-DNA position 5122, G replaced by A.
Protein change: p.Ala1708Thr; replaces alanine 1708 with threonine.
Molecular consequence: missense variant.
Genome position (GRCh38, 1-based): chr1:11,139,312, C>T on the plus strand (G>A on the coding strand, the complement: MTOR is on the minus strand). VCF-style: chr1-11139312-C-T. GRCh37 (hg19) VCF-style: chr1-11199369-C-T.
Other names: c.3874G>A, p.Ala1292Thr (NM_001386501.1); c.5122G>A, p.Ala1708Thr (NM_001386500.1); short protein forms A1708T, A1292T.
Identifiers: ClinVar variation 3667841 (VCV003667841.2).
Genomic context (GRCh38, chr1:11,139,312, plus strand): 5'-AGGCGAGCATTCTGGAGAAGGTGGTCTGTTCTGGATGCATTGGGATACAGACCTTGCGGG[C>T]ACTCTTCCACATGTTTTTCATGTAGGCATAGGTCACCTGAGGGTGAACTGTTGGCAGAGG-3'
Protein context (NP_004949.1, residues 1698-1718): YAYMKNMWKS[Ala1708Thr]RKIDAFQHMQ

ClinVar aggregate classification (germline): Uncertain significance (1 of 4 stars; one submission).

gnomAD v4.1: 1 of 1,605,206 alleles (0.000062%); highest among the groups gnomAD compares: Non-Finnish European, 0.000085%; no homozygotes.

Submission:

Labcorp Genetics (formerly Invitae), Labcorp
Classification: Uncertain significance. Last evaluated: 2024-04-04. Review status: criteria provided, single submitter. Criteria: Invitae Variant Classification Sherloc (09022015). Collection method: clinical testing. Allele origin: germline.
Comment: This sequence change replaces alanine, which is neutral and non-polar, with threonine, which is neutral and polar, at codon 1708 of the MTOR protein (p.Ala1708Thr). This variant is not present in population databases (gnomAD no frequency). This variant has not been reported in the literature in individuals affected with MTOR-related conditions. Advanced modeling of protein sequence and biophysical properties (such as structural, functional, and spatial information, amino acid conservation, physicochemical variation, residue mobility, and thermodynamic stability) performed at Invitae indicates that this missense variant is not expected to disrupt MTOR protein function with a negative predictive value of 95%. In summary, the available evidence is currently insufficient to determine the role of this variant in disease. Therefore, it has been classified as a Variant of Uncertain Significance.